The following is an entry in ClinVar:

NM_000059.4(BRCA2):c.800del (p.Gly267fs)

Gene: BRCA2 (BRCA2 DNA repair associated; plus strand). Cytogenetic location: 13q13.1.
Variant type: Deletion.
Coding change: c.800del on transcript NM_000059.4 (MANE Select); coding-DNA position 800, one base deleted (G; older notation c.800delG).
Protein change: p.Gly267fs; shifts the reading frame from glycine 267.
Molecular consequence: frameshift variant.
Genome position (GRCh38, 1-based): chr13:32,332,278, G deleted; the last of 2 consecutive G bases (chr13:32,332,277-32,332,278); deleting either gives the same sequence. VCF-style (leftmost placement, unchanged base first): chr13-32332276-TG-T. GRCh37 (hg19) VCF-style: chr13-32906413-TG-T.
Other names: c.800delG (NM_000059.3); short protein forms G267fs.
Identifiers: ClinVar variation 2673954 (VCV002673954.4), dbSNP rs1555281594, ClinGen allele CA2499222063.

ClinVar aggregate classification (germline): Pathogenic. Review status: criteria provided, multiple submitters, no conflicts (2 of 4 stars). 3 submissions from 3 submitters: Pathogenic (3). Last evaluated 2024-07-08.

Conditions:
Hereditary cancer-predisposing syndrome. Also called: Tumor predisposition; Neoplastic Syndromes, Hereditary; Hereditary Cancer Syndrome; Hereditary neoplastic syndrome. Identifiers: Orphanet 140162, MedGen C0027672, MeSH D009386, MONDO:0015356.
Breast-ovarian cancer, familial, susceptibility to, 2 (BROVCA2). Also called: BRCA2 Hereditary Breast and Ovarian Cancer. Identifiers: Orphanet 145, MedGen C2675520, MONDO:0012933, OMIM 612555. Disease mechanism: loss of function.
Hereditary breast ovarian cancer syndrome. Also called: Hereditary breast and/or ovarian cancer syndrome; Hereditary breast and ovarian cancer syndrome (HBOC); Breast and ovarian cancer; Hereditary breast and ovarian cancer syndrome; Hereditary breast and ovarian cancer; BRCA1- and BRCA2-Associated Hereditary Breast and Ovarian Cancer. Identifiers: Orphanet 145, MedGen C0677776, MeSH D061325, MONDO:0003582. Disease mechanism: loss of function.

Submissions (3):

Labcorp Genetics (formerly Invitae), Labcorp
Classification: Pathogenic for Hereditary breast ovarian cancer syndrome. Last evaluated: 2024-07-08. Review status: criteria provided, single submitter. Criteria: Invitae Variant Classification Sherloc (09022015). Collection method: clinical testing. Allele origin: germline.
Comment: This sequence change creates a premature translational stop signal (p.Gly267Glufs*10) in the BRCA2 gene. It is expected to result in an absent or disrupted protein product. Loss-of-function variants in BRCA2 are known to be pathogenic (PMID: 20104584). This variant is not present in population databases (gnomAD no frequency). This premature translational stop signal has been observed in individual(s) with BRCA2-related conditions (PMID: 28111427). For these reasons, this variant has been classified as Pathogenic.

Ambry Genetics
Classification: Pathogenic for Hereditary cancer-predisposing syndrome. Last evaluated: 2024-05-06. Review status: criteria provided, single submitter. Criteria: Ambry Variant Classification Scheme 2023. Collection method: clinical testing. Allele origin: germline.
Comment: The c.800delG pathogenic mutation, located in coding exon 9 of the BRCA2 gene, results from a deletion of one nucleotide at nucleotide position 800, causing a translational frameshift with a predicted alternate stop codon (p.G267Efs*10). This variant is considered to be rare based on population cohorts in the Genome Aggregation Database (gnomAD). This alteration is expected to result in loss of function by premature protein truncation or nonsense-mediated mRNA decay. As such, this alteration is interpreted as a disease-causing mutation.

Myriad Genetics, Inc.
Classification: Pathogenic for Breast-ovarian cancer, familial, susceptibility to, 2. Last evaluated: 2023-10-09. Review status: criteria provided, single submitter. Criteria: Myriad Autosomal Dominant, Autosomal Recessive and X-Linked Classification Criteria (2023). Collection method: clinical testing. Allele origin: unknown.
Comment: This variant is considered pathogenic. This variant creates a frameshift predicted to result in premature protein truncation.

Literature cited by the submitters: PubMed 20104584 (cited by Labcorp Genetics (formerly Invitae), Labcorp); PubMed 28111427 (cited by Labcorp Genetics (formerly Invitae), Labcorp).